The following is an entry in ClinVar:

ClinVar aggregate classification (germline): Pathogenic (1 of 4 stars; one submission).

Submission:

Labcorp Genetics (formerly Invitae), Labcorp
Classification: Pathogenic. Last evaluated: 2025-01-18. Review status: criteria provided, single submitter. Criteria: Invitae Variant Classification Sherloc (09022015). Collection method: clinical testing. Allele origin: germline.
Comment: This sequence change creates a premature translational stop signal (p.Gln193*) in the XYLT2 gene. It is expected to result in an absent or disrupted protein product. Loss-of-function variants in XYLT2 are known to be pathogenic (PMID: 26027496, 26987875). This variant is not present in population databases (gnomAD no frequency). This variant has not been reported in the literature in individuals affected with XYLT2-related conditions. For these reasons, this variant has been classified as Pathogenic.

Literature cited by the submitters: PubMed 26027496; PubMed 26987875.

NM_022167.4(XYLT2):c.577C>T (p.Gln193Ter)

Gene: XYLT2 (xylosyltransferase 2; plus strand). Cytogenetic location: 17q21.33.
Variant type: single nucleotide variant.
Coding change: c.577C>T on transcript NM_022167.4 (MANE Select); coding-DNA position 577, C replaced by T.
Protein change: p.Gln193Ter; replaces glutamine 193 with a stop codon.
Molecular consequence: nonsense.
Genome position (GRCh38, 1-based): chr17:50,354,071, C>T. VCF-style: chr17-50354071-C-T. GRCh37 (hg19) VCF-style: chr17-48431432-C-T.
Other names: short protein forms Q193*.
Identifiers: ClinVar variation 3702192 (VCV003702192.2).